The following is an entry in ClinVar:

ClinVar aggregate classification (germline): Pathogenic (1 of 4 stars; one submission).

Conditions:
Ellis-van Creveld syndrome (EVC). Also called: MESOECTODERMAL DYSPLASIA; Chondroectodermal dysplasia. Identifiers: Orphanet 289, MedGen C0013903, MONDO:0009162, OMIM 225500.

Submission:

Myriad Genetics, Inc.
Classification: Pathogenic for Ellis-van Creveld syndrome. Last evaluated: 2023-08-16. Review status: criteria provided, single submitter. Criteria: Myriad Autosomal Dominant, Autosomal Recessive and X-Linked Classification Criteria (2023). Collection method: clinical testing. Allele origin: unknown.
Comment: NM_147127.4(EVC2):c.2158delA(T720Pfs*20) is expected to be pathogenic in the context of EVC2-related Ellis-van Creveld syndrome. This variant is predicted to lead to an abnormal or absent protein product due to the creation of a premature termination codon in EVC2, a gene where loss-of-function variants are known to be pathogenic. Please note: this variant was assessed in the context of healthy population screening.

NM_147127.5(EVC2):c.2158del (p.Thr720fs)

Gene: EVC2 (EvC ciliary complex subunit 2; minus strand). Cytogenetic location: 4p16.2.
Variant type: Deletion.
Coding change: c.2158del on transcript NM_147127.5 (MANE Select); coding-DNA position 2158, one base deleted (A; older notation c.2158delA).
Protein change: p.Thr720fs; shifts the reading frame from threonine 720.
Molecular consequence: frameshift variant.
Genome position (GRCh38, 1-based): chr4:5,622,880, T deleted on the plus strand (A on the coding strand, the reverse complement: EVC2 is on the minus strand). VCF-style (leftmost placement, unchanged base first): chr4-5622879-GT-G. GRCh37 (hg19) VCF-style: chr4-5624606-GT-G.
Other names: c.1918del, p.Thr640fs (NM_001166136.2); short protein forms T640fs, T720fs.
Identifiers: ClinVar variation 5011362 (VCV005011362.1).